The following is an entry in ClinVar:

NM_198576.4(AGRN):c.2860G>A (p.Ala954Thr)

Gene: AGRN (agrin; plus strand). Cytogenetic location: 1p36.33.
Variant type: single nucleotide variant.
Coding change: c.2860G>A on transcript NM_198576.4 (MANE Select); coding-DNA position 2860, G replaced by A.
Protein change: p.Ala954Thr; replaces alanine 954 with threonine.
Molecular consequence: missense variant.
Genome position (GRCh38, 1-based): chr1:1,046,214, G>A. VCF-style: chr1-1046214-G-A. GRCh37 (hg19) VCF-style: chr1-981594-G-A.
Other names: c.2860G>A, p.Ala954Thr (NM_001305275.2); c.2545G>A, p.Ala849Thr (NM_001364727.2); short protein forms A849T, A954T.
Identifiers: ClinVar variation 836723 (VCV000836723.7), dbSNP rs775642947, ClinGen allele CA508841.

ClinVar aggregate classification (germline): Uncertain significance (1 of 4 stars; one submission).

Conditions:
Congenital myasthenic syndrome 8. Also called: MYASTHENIC SYNDROME, CONGENITAL, DUE TO AGRIN DEFICIENCY; Myasthenic syndrome, congenital, 8, with pre- and postsynaptic defects. Identifiers: Orphanet 590, MedGen C3808739, MONDO:0014052, OMIM 615120.

Allele frequency attached by ClinVar (database versions not stated): gnomAD 0.00001 and 0.00002; ExAC 0.00002; gnomAD exomes 0.00002 and 0.00004; TOPMed 0.00002.

Submission:

Labcorp Genetics (formerly Invitae), Labcorp
Classification: Uncertain significance for Congenital myasthenic syndrome 8. Last evaluated: 2021-09-01. Review status: criteria provided, single submitter. Criteria: Invitae Variant Classification Sherloc (09022015). Collection method: clinical testing. Allele origin: germline.
Comment: This sequence change replaces alanine with threonine at codon 954 of the AGRN protein (p.Ala954Thr). The alanine residue is highly conserved and there is a small physicochemical difference between alanine and threonine. This variant is present in population databases (rs775642947, ExAC 0.003%). This variant has not been reported in the literature in individuals affected with AGRN-related conditions. Algorithms developed to predict the effect of missense changes on protein structure and function are either unavailable or do not agree on the potential impact of this missense change (SIFT: "Deleterious"; PolyPhen-2: "Possibly Damaging"; Align-GVGD: "Class C0"). In summary, the available evidence is currently insufficient to determine the role of this variant in disease. Therefore, it has been classified as a Variant of Uncertain Significance.